The following is an entry in ClinVar:

ClinVar aggregate classification (germline): Uncertain significance (1 of 4 stars; one submission).

Conditions:
Microcephaly, normal intelligence and immunodeficiency (NBS). Also called: IMMUNODEFICIENCY, MICROCEPHALY, AND CHROMOSOMAL INSTABILITY; SEEMANOVA SYNDROME II; Immunodeficiency, microcephaly with normal intelligence; Nijmegen breakage syndrome; Microcephaly with normal intelligence immunodeficiency and lymphoreticular malignancies; Nonsyndromal microcephaly autosomal recessive with normal intelligence. Identifiers: Orphanet 647, MedGen C0398791, MONDO:0009623, OMIM 251260.

Submission:

Labcorp Genetics (formerly Invitae), Labcorp
Classification: Uncertain significance for Microcephaly, normal intelligence and immunodeficiency. Last evaluated: 2023-02-01. Review status: criteria provided, single submitter. Criteria: Invitae Variant Classification Sherloc (09022015). Collection method: clinical testing. Allele origin: germline.
Comment: In summary, the available evidence is currently insufficient to determine the role of this variant in disease. Therefore, it has been classified as a Variant of Uncertain Significance. Algorithms developed to predict the effect of missense changes on protein structure and function output the following: SIFT: "Tolerated"; PolyPhen-2: "Benign"; Align-GVGD: "Class C0". The lysine amino acid residue is found in multiple mammalian species, which suggests that this missense change does not adversely affect protein function. This variant has not been reported in the literature in individuals affected with NBN-related conditions. The frequency data for this variant in the population databases is considered unreliable, as metrics indicate poor data quality at this position in the gnomAD database. This sequence change replaces arginine, which is basic and polar, with lysine, which is basic and polar, at codon 546 of the NBN protein (p.Arg546Lys).

NM_002485.5(NBN):c.1637G>A (p.Arg546Lys)

Gene: NBN (nibrin; minus strand). Cytogenetic location: 8q21.3.
Variant type: single nucleotide variant.
Coding change: c.1637G>A on transcript NM_002485.5 (MANE Select); coding-DNA position 1637, G replaced by A.
Protein change: p.Arg546Lys; replaces arginine 546 with lysine.
Molecular consequence: missense variant.
Genome position (GRCh38, 1-based): chr8:89,953,452, C>T on the plus strand (G>A on the coding strand, the complement: NBN is on the minus strand). VCF-style: chr8-89953452-C-T. GRCh37 (hg19) VCF-style: chr8-90965680-C-T.
Other names: c.1391G>A, p.Arg464Lys (NM_001024688.3); short protein forms R464K, R546K.
Identifiers: ClinVar variation 2833395 (VCV002833395.3), dbSNP rs1360502904, ClinGen allele CA371655432.